The following is an entry in ClinVar:

NM_014847.4(UBAP2L):c.434G>A (p.Ser145Asn)

Gene: UBAP2L (ubiquitin associated protein 2 like; plus strand). Cytogenetic location: 1q21.3.
Variant type: single nucleotide variant.
Coding change: c.434G>A on transcript NM_014847.4 (MANE Select); coding-DNA position 434, G replaced by A.
Protein change: p.Ser145Asn; replaces serine 145 with asparagine.
Molecular consequence: missense variant. On other transcripts: intron variant (1).
Genome position (GRCh38, 1-based): chr1:154,234,745, G>A. VCF-style: chr1-154234745-G-A. GRCh37 (hg19) VCF-style: chr1-154207221-G-A.
Other names: c.434G>A, p.Ser145Asn (NM_001127320.3, NM_001287816.1, NM_001330730.1 and 19 more transcripts); c.427+7G>A (NM_001287815.1); short protein forms S145N.
Identifiers: ClinVar variation 3345272 (VCV003345272.1).

ClinVar aggregate classification (germline): Uncertain significance (0 of 4 stars; one submission).

Conditions:
UBAP2L-related condition.

Submission:

PreventionGenetics, part of Exact Sciences
Classification: Uncertain significance for UBAP2L-related condition. Last evaluated: 2024-09-05. Review status: no assertion criteria provided. Collection method: clinical testing. Allele origin: germline.
Comment: The UBAP2L c.434G>A variant is predicted to result in the amino acid substitution p.Ser145Asn. To our knowledge, this variant has not been reported in the literature or in a large population database, indicating this variant is rare. At this time, the clinical significance of this variant is uncertain due to the absence of conclusive functional and genetic evidence.